The following is an entry in ClinVar:

NM_001354604.2(MITF):c.*2580C>T

Gene: MITF (melanocyte inducing transcription factor; plus strand). Cytogenetic location: 3p13.
Variant type: single nucleotide variant.
Coding change: c.*2580C>T on transcript NM_001354604.2 (MANE Select); 2580 bases downstream of the stop codon, C replaced by T.
Molecular consequence: 3 prime UTR variant.
Genome position (GRCh38, 1-based): chr3:69,967,828, C>T. VCF-style: chr3-69967828-C-T. GRCh37 (hg19) VCF-style: chr3-70016979-C-T.
Other names: c.*2580C>T (NM_000248.4, NM_001184967.2, NM_001354605.2 and 8 more transcripts).
Identifiers: ClinVar variation 346539 (VCV000346539.29), dbSNP rs139487027, ClinGen allele CA10616599.

ClinVar aggregate classification (germline): Benign. Review status: criteria provided, multiple submitters, no conflicts (2 of 4 stars). 3 submissions from 2 submitters: Benign (3). Last evaluated 2023-06-01.

Conditions:
Waardenburg syndrome type 2A (WS2A). Also called: WAARDENBURG SYNDROME WITHOUT DYSTOPIA CANTHORUM. Identifiers: Orphanet 3440, MedGen C1860339, MONDO:0008671, OMIM 193510.
Tietz syndrome (TADS). Also called: HYPOPIGMENTATION/DEAFNESS OF TIETZ; ALBINISM-DEAFNESS OF TIETZ; TIETZ ALBINISM-DEAFNESS SYNDROME. Identifiers: Orphanet 42665, MedGen C0391816, MONDO:0007077, OMIM 103500.

Allele frequency attached by ClinVar (database versions not stated): 1000 Genomes Project 0.00240; gnomAD 0.00303; 1000 Genomes Project 30x 0.00328; TOPMed 0.00400; gnomAD exomes 0.00461.
gnomAD v4.1: 902 of 233,158 alleles (0.39%); highest among the groups gnomAD compares: Non-Finnish European, 0.59%; 5 homozygotes.

Submissions (3):

CeGaT Center for Human Genetics Tuebingen
Classification: Benign. Last evaluated: 2023-06-01. Review status: criteria provided, single submitter. Criteria: CeGaT Center For Human Genetics Tuebingen Variant Classification Criteria Version 2. Collection method: clinical testing. Allele origin: germline. Affected: yes. Observed: 8 variant alleles.
Comment: MITF: BS1, BS2

Illumina Laboratory Services, Illumina
Classification: Benign for Tietz syndrome. Last evaluated: 2018-01-13. Review status: criteria provided, single submitter. Criteria: ICSL Variant Classification Criteria 13 December 2019. Collection method: clinical testing. Allele origin: germline.
Comment: This variant was observed in the ICSL laboratory as part of a predisposition screen in an ostensibly healthy population. It had not been previously curated by ICSL or reported in the Human Gene Mutation Database (HGMD: prior to June 1st, 2018), and was therefore a candidate for classification through an automated scoring system. Utilizing variant allele frequency, disease prevalence and penetrance estimates, and inheritance mode, an automated score was calculated to assess if this variant is too frequent to cause the disease. Based on the score and internal cut-off values, a variant classified as benign is not then subjected to further curation. The score for this variant resulted in a classification of benign for this disease.

Illumina Laboratory Services, Illumina
Classification: Benign for Waardenburg syndrome type 2A. Last evaluated: 2018-01-13. Review status: criteria provided, single submitter. Criteria: ICSL Variant Classification Criteria 13 December 2019. Collection method: clinical testing. Allele origin: germline.
Comment: the same text as in the submission from Illumina Laboratory Services, Illumina above.